The following is an entry in ClinVar:

ClinVar aggregate classification (germline): Uncertain significance (1 of 4 stars; one submission).

Allele frequency attached by ClinVar (database versions not stated): ExAC 0.00001; TOPMed 0.00001.
gnomAD v4.1: 29 of 1,613,660 alleles (0.0018%); highest among the groups gnomAD compares: Non-Finnish European, 0.0024%; no homozygotes.

Submission:

Labcorp Genetics (formerly Invitae), Labcorp
Classification: Uncertain significance. Last evaluated: 2023-02-28. Review status: criteria provided, single submitter. Criteria: Invitae Variant Classification Sherloc (09022015). Collection method: clinical testing. Allele origin: germline.
Comment: In summary, the available evidence is currently insufficient to determine the role of this variant in disease. Therefore, it has been classified as a Variant of Uncertain Significance. Advanced modeling of protein sequence and biophysical properties (such as structural, functional, and spatial information, amino acid conservation, physicochemical variation, residue mobility, and thermodynamic stability) performed at Invitae indicates that this missense variant is not expected to disrupt MCM5 protein function. This variant has not been reported in the literature in individuals affected with MCM5-related conditions. This variant is present in population databases (rs751469512, gnomAD 0.0009%). This sequence change replaces valine, which is neutral and non-polar, with methionine, which is neutral and non-polar, at codon 285 of the MCM5 protein (p.Val285Met).

NM_006739.4(MCM5):c.853G>A (p.Val285Met)

Gene: MCM5 (minichromosome maintenance complex component 5; plus strand). Cytogenetic location: 22q12.3.
Variant type: single nucleotide variant.
Coding change: c.853G>A on transcript NM_006739.4 (MANE Select); coding-DNA position 853, G replaced by A.
Protein change: p.Val285Met; replaces valine 285 with methionine.
Molecular consequence: missense variant.
Genome position (GRCh38, 1-based): chr22:35,410,844, G>A. VCF-style: chr22-35410844-G-A. GRCh37 (hg19) VCF-style: chr22-35806837-G-A.
Other names: short protein forms V285M.
Identifiers: ClinVar variation 2980462 (VCV002980462.3), dbSNP rs751469512, ClinGen allele CA10205184.
Genomic context (GRCh38, chr22:35,410,844, plus strand): 5'-ATCATGGGCATCTACTCCATCAAGAAGTTTGGCCTGACTACCAGCAGGGGCCGTGACAGG[G>A]TGGGCGTGGGCATCCGAAGCTCCTACATCCGTGTCCTGGGCATCCAGGTGGACACAGATG-3'
Protein context (NP_006730.2, residues 275-295): GLTTSRGRDR[Val285Met]GVGIRSSYIR